The following is an entry in ClinVar:

NM_033305.3(VPS13A):c.1538T>C (p.Ile513Thr)

Gene: VPS13A (vacuolar protein sorting 13 homolog A; plus strand). Cytogenetic location: 9q21.2.
Variant type: single nucleotide variant.
Coding change: c.1538T>C on transcript NM_033305.3 (MANE Select); coding-DNA position 1538, T replaced by C.
Protein change: p.Ile513Thr; replaces isoleucine 513 with threonine.
Molecular consequence: missense variant.
Genome position (GRCh38, 1-based): chr9:77,228,207, T>C. VCF-style: chr9-77228207-T-C. GRCh37 (hg19) VCF-style: chr9-79843123-T-C.
Other names: c.1538T>C, p.Ile513Thr (NM_001018037.2, NM_001018038.3, NM_015186.4); short protein forms I513T.
Identifiers: ClinVar variation 2061255 (VCV002061255.1), dbSNP rs1199855164, ClinGen allele CA373845800.

ClinVar aggregate classification (germline): Uncertain significance (1 of 4 stars; one submission).

Allele frequency attached by ClinVar (database versions not stated): gnomAD exomes 0.00001; gnomAD 0.00003.
gnomAD v4.1: 17 of 1,604,056 alleles (0.0011%); highest among the groups gnomAD compares: East Asian, 0.0022%; no homozygotes.

Submission:

Labcorp Genetics (formerly Invitae), Labcorp
Classification: Uncertain significance. Last evaluated: 2020-09-10. Review status: criteria provided, single submitter. Criteria: Invitae Variant Classification Sherloc (09022015). Collection method: clinical testing. Allele origin: germline.
Comment: This sequence change replaces isoleucine with threonine at codon 513 of the VPS13A protein (p.Ile513Thr). The isoleucine residue is weakly conserved and there is a moderate physicochemical difference between isoleucine and threonine. This variant is not present in population databases (ExAC no frequency). This variant has not been reported in the literature in individuals with VPS13A-related disease. Algorithms developed to predict the effect of missense changes on protein structure and function are either unavailable or do not agree on the potential impact of this missense change (SIFT: "Deleterious"; PolyPhen-2: "Benign"; Align-GVGD: "Class C0"). In summary, the available evidence is currently insufficient to determine the role of this variant in disease. Therefore, it has been classified as a Variant of Uncertain Significance.